The following is an entry in ClinVar:

ClinVar aggregate classification (germline): Likely benign. Review status: criteria provided, multiple submitters, no conflicts (2 of 4 stars). 5 submissions from 5 submitters: Likely benign (4). 1 of the submissions does not count toward it. Last evaluated 2025-12-03.

Conditions:
COL9A3-related disorder. Also called: COL9A3-related condition.

Allele frequency attached by ClinVar (database versions not stated): TOPMed 0.00006; ESP Exome Variant Server 0.00008; gnomAD 0.00008 and 0.00014; gnomAD exomes 0.00017 and 0.00025; 1000 Genomes Project 30x 0.00031; 1000 Genomes Project 0.00040; ExAC 0.00057.
gnomAD v4.1: 260 of 1,552,242 alleles (0.017%); highest among the groups gnomAD compares: South Asian, 0.14%; 1 homozygote.

Submissions (5):

Labcorp Genetics (formerly Invitae), Labcorp
Classification: Likely benign. Last evaluated: 2025-12-03. Review status: criteria provided, single submitter. Criteria: Invitae Variant Classification Sherloc (09022015). Collection method: clinical testing. Allele origin: germline.

Blueprint Genetics
Classification: Likely benign. Last evaluated: 2024-10-25. Review status: criteria provided, single submitter. Criteria: ACMG Guidelines, 2015. Collection method: clinical testing. Allele origin: germline.

CeGaT Center for Human Genetics Tuebingen
Classification: Likely benign. Last evaluated: 2022-12-01. Review status: criteria provided, single submitter. Criteria: CeGaT Center For Human Genetics Tuebingen Variant Classification Criteria Version 2. Collection method: clinical testing. Allele origin: germline. Affected: yes. Observed: 1 variant allele.
Comment: COL9A3: BP4, BP7

Breakthrough Genomics
Classification: Likely benign. Review status: criteria provided, single submitter. Criteria: ACMG Guidelines, 2015. Collection method: not provided. Allele origin: germline. Inheritance: Autosomal recessive inheritance. Affected: yes.

PreventionGenetics, part of Exact Sciences
Classification: Likely benign for COL9A3-related condition. Last evaluated: 2020-10-30. Review status: no assertion criteria provided. Collection method: clinical testing. Allele origin: germline. Not counted in ClinVar's aggregate classification.
Comment: This variant is classified as likely benign based on ACMG/AMP sequence variant interpretation guidelines (Richards et al. 2015 PMID: 25741868, with internal and published modifications).

NM_001853.4(COL9A3):c.1836C>T (p.Asp612=)

Gene: COL9A3 (collagen type IX alpha 3 chain; plus strand). Cytogenetic location: 20q13.33.
Variant type: single nucleotide variant.
Coding change: c.1836C>T on transcript NM_001853.4 (MANE Select); coding-DNA position 1836, C replaced by T.
Protein change: p.Asp612=; no amino-acid change (aspartic acid 612 retained).
Molecular consequence: synonymous variant.
Genome position (GRCh38, 1-based): chr20:62,838,733, C>T. VCF-style: chr20-62838733-C-T. GRCh37 (hg19) VCF-style: chr20-61470085-C-T.
Other names: c.1836C>T, p.Asp612= (LRG_1253t1).
Identifiers: ClinVar variation 339308 (VCV000339308.36), dbSNP rs376259511, ClinGen allele CA9950221.